The following is an entry in ClinVar:

NM_020949.3(SLC7A14):c.13T>G (p.Phe5Val)

Genes: SLC7A14 (solute carrier family 7 member 14; minus strand), SLC7A14-AS1 (SLC7A14 antisense RNA 1; plus strand). Cytogenetic location: 3q26.2.
Variant type: single nucleotide variant.
Coding change: c.13T>G on transcript NM_020949.3 (MANE Select); coding-DNA position 13, T replaced by G.
Protein change: p.Phe5Val; replaces phenylalanine 5 with valine.
Molecular consequence: missense variant.
Genome position (GRCh38, 1-based): chr3:170,526,924, A>C on the plus strand (T>G on the coding strand, the complement: SLC7A14 is on the minus strand). VCF-style: chr3-170526924-A-C. GRCh37 (hg19) VCF-style: chr3-170244713-A-C.
Other names: short protein forms F5V.
Identifiers: ClinVar variation 2987953 (VCV002987953.3), dbSNP rs1160199431, ClinGen allele CA355520405.
Genomic context (GRCh38, chr3:170,526,924, plus strand): 5'-TGGAGTGCATTGCATACCAGGCAGCTCCCCACTGCACCCGCCGGGGGTCCAGCGAGGTGA[A>C]GAAGCCACTCATCTTGAGCGATAGGGGATGCAGTGAAGGTCAGCTGATGGAAGGGGGCTA-3'
Protein context (NP_066000.2, residues 1-15): MSGF[Phe5Val]TSLDPRRVQW

ClinVar aggregate classification (germline): Uncertain significance (1 of 4 stars; one submission).

Allele frequency attached by ClinVar (database versions not stated): gnomAD exomes below 0.00001.
gnomAD v4.1: 5 of 1,613,040 alleles (0.00031%); highest among the groups gnomAD compares: African/African-American, 0.004%; no homozygotes.

Submission:

Labcorp Genetics (formerly Invitae), Labcorp
Classification: Uncertain significance. Last evaluated: 2023-04-20. Review status: criteria provided, single submitter. Criteria: Invitae Variant Classification Sherloc (09022015). Collection method: clinical testing. Allele origin: germline.
Comment: In summary, the available evidence is currently insufficient to determine the role of this variant in disease. Therefore, it has been classified as a Variant of Uncertain Significance. An algorithm developed to predict the effect of missense changes on protein structure and function (PolyPhen-2) suggests that this variant is likely to be tolerated. This variant has not been reported in the literature in individuals affected with SLC7A14-related conditions. This variant is not present in population databases (gnomAD no frequency). This sequence change replaces phenylalanine, which is neutral and non-polar, with valine, which is neutral and non-polar, at codon 5 of the SLC7A14 protein (p.Phe5Val).